The following is an entry in ClinVar:

ClinVar aggregate classification (germline): Pathogenic. Review status: criteria provided, multiple submitters, no conflicts (2 of 4 stars). 8 submissions from 8 submitters: Pathogenic (7). 1 of the submissions does not count toward it. Last evaluated 2025-04-14.

Conditions:
COL1A1-related disorder. Also called: COL1A1- related disease; COL1A1-related condition.
Osteogenesis imperfecta with normal sclerae, dominant form (OI4). Also called: OSTEOGENESIS IMPERFECTA, TYPE IV, WITH DENTINOGENESIS IMPERFECTA; OSTEOGENESIS IMPERFECTA WITH NORMAL SCLERAE; Osteogenesis imperfecta type 4; Common Variable Osteogenesis Imperfecta with Normal Sclerae; Osteogenesis Imperfecta Type IV. Identifiers: Orphanet 216820, Orphanet 666, MedGen C0268363, MONDO:0008148, OMIM 166220.
Osteogenesis imperfecta type I (OI1). Also called: Lobstein disease; OI, TYPE I; OSTEOGENESIS IMPERFECTA TARDA; OSTEOGENESIS IMPERFECTA WITH BLUE SCLERAE; Osteogenesis imperfecta type 1; Classic Non-deforming Osteogenesis Imperfecta with Blue Sclerae. Identifiers: Orphanet 216796, Orphanet 666, MedGen C0023931, MONDO:0008146, OMIM 166200. Disease mechanism: loss of function.

Submissions (8):

Clinical Biomedical Laboratory, Shriners Hospital For Children - Canada
Classification: Pathogenic for Osteogenesis imperfecta with normal sclerae, dominant form. Last evaluated: 2025-04-14. Review status: criteria provided, single submitter. Criteria: ACMG Guidelines, 2015. Collection method: clinical testing. Allele origin: germline. Affected: yes.
Comment: This variant is predicted to substitute a glycine residue by a serine residue in the triple helical domain of the collagen type I alpha 1 chain. Glycine substitutions in the triple helical domain of collagen type I cause disruption in the formation of the triple helix and are a typical cause of osteogenesis imperfecta. This variant is absent from general population databases (Genome Aggregation Database v4.1.0). Computational tools suggest that the change is detrimental to protein function (REVEL: 0.99). This specific variant has been reported in the literature as a cause of osteogenesis imperfecta multiple times (e.g., PMID: 27509835; 16705691). We have observed this specific variant in our laboratory in more than 10 unrelated individuals with a diagnosis of osteogenesis imperfecta type IV.

Labcorp Genetics (formerly Invitae), Labcorp
Classification: Pathogenic for Osteogenesis imperfecta type I. Last evaluated: 2025-03-27. Review status: criteria provided, single submitter. Criteria: Invitae Variant Classification Sherloc (09022015). Collection method: clinical testing. Allele origin: germline.
Comment: This sequence change replaces glycine, which is neutral and non-polar, with serine, which is neutral and polar, at codon 821 of the COL1A1 protein (p.Gly821Ser). This variant is not present in population databases (gnomAD no frequency). This missense change has been observed in individual(s) with osteogenesis imperfecta (OI) types I-IV with OI type IV being most common (PMID: 17078022, 21667357, 21884818, 26177859, 26627451, 27519266). In at least one individual the variant was observed to be de novo. ClinVar contains an entry for this variant (Variation ID: 425610). Invitae Evidence Modeling of protein sequence and biophysical properties (such as structural, functional, and spatial information, amino acid conservation, physicochemical variation, residue mobility, and thermodynamic stability) indicates that this missense variant is expected to disrupt COL1A1 protein function with a positive predictive value of 95%. Experimental studies have shown that this missense change affects COL1A1 function (PMID: 9101304). For these reasons, this variant has been classified as Pathogenic.

GeneDx
Classification: Pathogenic. Last evaluated: 2024-04-18. Review status: criteria provided, single submitter. Criteria: GeneDx Variant Classification Process June 2021. Collection method: clinical testing. Allele origin: germline. Affected: yes.
Comment: Occurs in the triple helical domain and replaces a glycine in a canonical Gly-X-Y repeat; missense substitution of a canonical glycine residue is expected to disrupt normal protein folding and function, and this is an established mechanism of disease (PMID: 34007986); Not observed at significant frequency in large population cohorts (gnomAD); This variant is associated with the following publications: (PMID: 37079061, 37334733, 37270749, 35909573, 36951356, 21667357, 16879195, 27519266, 32234057, 35154279, 16604495, 9101304, 26177859, 27510842, 21884818, 17078022, 16705691, 29564298, 29499418, 30715774, 33939306, 32166892, 26627451, 34007986)

Revvity Omics, Revvity
Classification: Pathogenic. Last evaluated: 2024-01-14. Review status: criteria provided, single submitter. Criteria: ACMG Guidelines, 2015. Collection method: clinical testing. Allele origin: germline.

Blueprint Genetics
Classification: Pathogenic for COL1A1-related disorders. Last evaluated: 2019-12-31. Review status: criteria provided, single submitter. Criteria: ACMG Guidelines, 2015. Collection method: clinical testing. Allele origin: germline. Affected: yes. Observed: 2 variant alleles.

Centre for Mendelian Genomics, University Medical Centre Ljubljana
Classification: Pathogenic for Osteogenesis imperfecta with normal sclerae, dominant form. Last evaluated: 2018-12-27. Review status: criteria provided, single submitter. Criteria: ACMG Guidelines, 2015. Collection method: clinical testing. Allele origin: unknown. Affected: yes.
Comment: This variant was classified as: Pathogenic. The following ACMG criteria were applied in classifying this variant: PM1,PM2,PP3,PP2,PS1.

Clinical Genetics Service, Universitary Hospital 12 de Octubre
Classification: Pathogenic for Osteogenesis imperfecta with normal sclerae, dominant form. Review status: criteria provided, single submitter. Criteria: ACMG Guidelines, 2015. Collection method: clinical testing. Allele origin: germline. Affected: yes.

Department of Medical Sciences, Uppsala University
Classification: Pathogenic for OI type IV. Review status: no assertion criteria provided. Collection method: clinical testing. Allele origin: paternal, unknown. Affected: yes. Observed: 2 variant alleles. Not counted in ClinVar's aggregate classification.

Literature cited by the submitters: PubMed 27509835 (cited by Clinical Biomedical Laboratory, Shriners Hospital For Children - Canada); PubMed 16705691 (cited by Clinical Biomedical Laboratory, Shriners Hospital For Children - Canada); PubMed 17078022 (cited by Labcorp Genetics (formerly Invitae), Labcorp); PubMed 21667357 (cited by Labcorp Genetics (formerly Invitae), Labcorp); PubMed 21884818 (cited by Labcorp Genetics (formerly Invitae), Labcorp); PubMed 26177859 (cited by Labcorp Genetics (formerly Invitae), Labcorp); PubMed 26627451 (cited by Labcorp Genetics (formerly Invitae), Labcorp); PubMed 27519266 (cited by Labcorp Genetics (formerly Invitae), Labcorp); PubMed 9101304 (cited by Labcorp Genetics (formerly Invitae), Labcorp); PubMed 25944380 (cited by Department of Medical Sciences, Uppsala University).

NM_000088.4(COL1A1):c.2461G>A (p.Gly821Ser)

Gene: COL1A1 (collagen type I alpha 1 chain; minus strand). Cytogenetic location: 17q21.33.
Variant type: single nucleotide variant.
Coding change: c.2461G>A on transcript NM_000088.4 (MANE Select); coding-DNA position 2461, G replaced by A.
Protein change: p.Gly821Ser; replaces glycine 821 with serine.
Molecular consequence: missense variant.
Genome position (GRCh38, 1-based): chr17:50,190,099, C>T on the plus strand (G>A on the coding strand, the complement: COL1A1 is on the minus strand). VCF-style: chr17-50190099-C-T. GRCh37 (hg19) VCF-style: chr17-48267460-C-T.
Other names: c.2461G>A (LRG_1t1); short protein forms G821S.
Identifiers: ClinVar variation 425610 (VCV000425610.22), dbSNP rs67693970, ClinGen allele CA291543310.